The following is an entry in ClinVar:

NM_001170700.3(DTHD1):c.2340+6T>A

Gene: DTHD1 (death domain containing 1; plus strand). Cytogenetic location: 4p14.
Variant type: single nucleotide variant.
Coding change: c.2340+6T>A on transcript NM_001170700.3 (MANE Select); 6 bases into the intron after coding-DNA position 2340, T replaced by A.
Molecular consequence: intron variant.
Genome position (GRCh38, 1-based): chr4:36,316,492, T>A. VCF-style: chr4-36316492-T-A. GRCh37 (hg19) VCF-style: chr4-36318114-T-A.
Other names: c.1470+6T>A (NM_001136536.5); c.1407+6T>A (NM_001378435.1).
Identifiers: ClinVar variation 2786108 (VCV002786108.3), dbSNP rs2529802409, ClinGen allele CA2578065204.

ClinVar aggregate classification (germline): Uncertain significance (1 of 4 stars; one submission).

Allele frequency attached by ClinVar (database versions not stated): gnomAD exomes below 0.00001.
gnomAD v4.1: 2 of 1,541,282 alleles (0.00013%); highest among the groups gnomAD compares: Middle Eastern, 0.034%; no homozygotes.

Submission:

Labcorp Genetics (formerly Invitae), Labcorp
Classification: Uncertain significance. Last evaluated: 2022-11-28. Review status: criteria provided, single submitter. Criteria: Invitae Variant Classification Sherloc (09022015). Collection method: clinical testing. Allele origin: germline.
Comment: In summary, the available evidence is currently insufficient to determine the role of this variant in disease. Therefore, it has been classified as a Variant of Uncertain Significance. Variants that disrupt the consensus splice site are a relatively common cause of aberrant splicing (PMID: 17576681, 9536098). Algorithms developed to predict the effect of sequence changes on RNA splicing suggest that this variant may disrupt the consensus splice site. This variant has not been reported in the literature in individuals affected with DTHD1-related conditions. This variant is not present in population databases (gnomAD no frequency). This sequence change falls in intron 7 of the DTHD1 gene. It does not directly change the encoded amino acid sequence of the DTHD1 protein. It affects a nucleotide within the consensus splice site.

Literature cited by the submitters: PubMed 17576681; PubMed 9536098.